The following is an entry in ClinVar:

ClinVar aggregate classification (germline): Uncertain significance (1 of 4 stars; one submission).

Submission:

Labcorp Genetics (formerly Invitae), Labcorp
Classification: Uncertain significance. Last evaluated: 2022-06-02. Review status: criteria provided, single submitter. Criteria: Invitae Variant Classification Sherloc (09022015). Collection method: clinical testing. Allele origin: germline.
Comment: This sequence change replaces histidine, which is basic and polar, with glutamine, which is neutral and polar, at codon 851 of the CACNA1B protein (p.His851Gln). This variant is not present in population databases (gnomAD no frequency). This variant has not been reported in the literature in individuals affected with CACNA1B-related conditions. Advanced modeling of protein sequence and biophysical properties (such as structural, functional, and spatial information, amino acid conservation, physicochemical variation, residue mobility, and thermodynamic stability) performed at Invitae indicates that this missense variant is not expected to disrupt CACNA1B protein function. In summary, the available evidence is currently insufficient to determine the role of this variant in disease. Therefore, it has been classified as a Variant of Uncertain Significance.

NM_000718.4(CACNA1B):c.2553C>G (p.His851Gln)

Gene: CACNA1B (calcium voltage-gated channel subunit alpha1 B; plus strand). Cytogenetic location: 9q34.3.
Variant type: single nucleotide variant.
Coding change: c.2553C>G on transcript NM_000718.4 (MANE Select); coding-DNA position 2553, C replaced by G.
Protein change: p.His851Gln; replaces histidine 851 with glutamine.
Molecular consequence: missense variant.
Genome position (GRCh38, 1-based): chr9:138,023,296, C>G. VCF-style: chr9-138023296-C-G. GRCh37 (hg19) VCF-style: chr9-140917748-C-G.
Other names: c.2553C>G, p.His851Gln (NM_001243812.2); short protein forms H851Q.
Identifiers: ClinVar variation 1917455 (VCV001917455.2), dbSNP rs921159133, ClinGen allele CA375809630.